The following is an entry in ClinVar:

NM_001101426.4(CRPPA):c.*2369_*2379TA[3]CGTACACATACACACATATATGTATATACGTAC[1]

Gene: CRPPA (CDP-L-ribitol pyrophosphorylase A; minus strand). Cytogenetic location: 7p21.2.
Variant type: Insertion.
Coding change: c.*2369_*2379TA[3]CGTACACATACACACATATATGTATATACGTAC[1] on transcript NM_001101426.4 (MANE Select).
Molecular consequence: 3 prime UTR variant. On other transcripts: non-coding transcript variant (1).
Genome position: GRCh38 VCF-style: chr7-16089315-C-CGTACGTATATACATATATGTGTGTATGT. GRCh37 (hg19) VCF-style: chr7-16128940-C-CGTACGTATATACATATATGTGTGTATGT.
Other names: c.*2369_*2379TA[3]CGTACACATACACACATATATGTATATACGTAC[1] (NM_001101417.4, NM_001368197.1).
Identifiers: ClinVar variation 2657326 (VCV002657326.24), dbSNP rs1562496380, ClinGen allele CA573293756.

ClinVar aggregate classification (germline): Likely benign (1 of 4 stars; one submission).

Submission:

CeGaT Center for Human Genetics Tuebingen
Classification: Likely benign. Last evaluated: 2023-06-01. Review status: criteria provided, single submitter. Criteria: CeGaT Center For Human Genetics Tuebingen Variant Classification Criteria Version 2. Collection method: clinical testing. Allele origin: germline. Affected: yes. Observed: 15 variant alleles.
Comment: CRPPA: BS2